The following is an entry in ClinVar:

NC_000012.12:g.(?_102894725)_(102894931_?)del

Gene: PAH (phenylalanine hydroxylase; minus strand). Cytogenetic location: 12q23.2.
Variant type: Deletion.
Identifiers: ClinVar variation 831713 (VCV000831713.1).

ClinVar aggregate classification (germline): Pathogenic (1 of 4 stars; one submission).

Conditions:
Phenylketonuria (PKU). Also called: FOLLING DISEASE; Phenylketonuria (PKU); OLIGOPHRENIA PHENYLPYRUVICA; Phenylketonurias. Identifiers: Orphanet 716, MedGen C0031485, MONDO:0009861, OMIM 261600. Disease mechanism: loss of function.

Submission:

Labcorp Genetics (formerly Invitae), Labcorp
Classification: Pathogenic for Phenylketonuria. Last evaluated: 2019-12-30. Review status: criteria provided, single submitter. Criteria: Invitae Variant Classification Sherloc (09022015). Collection method: clinical testing. Allele origin: germline.
Comment: This variant is an out-of-frame deletion of the genomic region encompassing exon 3 of the PAH gene. This is expected to create a premature translational stop signal and result in an absent or disrupted protein product. Similar deletions of PAH exon 3 have been reported in several individuals affected with phenylketonuria (PMID: 16931086, 16931086, 17221866, 23357515, 24350308, 27175306). Loss-of-function variants in PAH are known to be pathogenic (PMID: 1301187, 9634518). For these reasons, this variant has been classified as Pathogenic.

Literature cited by the submitters: PubMed 24350308; PubMed 27175306; PubMed 16931086; PubMed 23357515; PubMed 17221866.